The following is an entry in ClinVar:

ClinVar aggregate classification (germline): Conflicting classifications of pathogenicity. Review status: criteria provided, conflicting classifications (1 of 4 stars). 6 submissions from 6 submitters: Uncertain significance (4); Likely benign (2). Last evaluated 2026-06-23.

Conditions:
TRPM1-related disorder. Also called: TRPM1-related condition.
Retinal dystrophy. Also called: Inherited retinal dystrophy. Identifiers: Orphanet 71862, MedGen C0854723, MeSH D058499, MONDO:0019118, HP:0000556.
Congenital stationary night blindness 1C. Also called: Night blindness, congenital stationary (complete), 1C, autosomal recessive. Identifiers: Orphanet 215, MedGen C2750747, MONDO:0013183, OMIM 613216.

Allele frequency attached by ClinVar (database versions not stated): ExAC 0.00047; gnomAD exomes 0.00050 and 0.00080; gnomAD 0.00057 and 0.00058; TOPMed 0.00063; ESP Exome Variant Server 0.00137.

Submissions (6):

PreventionGenetics, part of Exact Sciences
Classification: Uncertain significance for TRPM1-related condition. Last evaluated: 2026-06-23. Review status: criteria provided, single submitter. Criteria: ACMG Guidelines, 2015. Collection method: clinical testing. Allele origin: germline.
Comment: The TRPM1 c.4550C>T variant is predicted to result in the amino acid substitution p.Thr1517Met. This variant was reported as a variant of uncertain significance in a patient with early-onset high myopia (Gonzalez-Iglesias et al. 2022. PubMed ID: 35457050). However, this variant is reported in 0.091% of alleles in individuals of European (Non-Finnish) descent in gnomAD, which may be too frequent to be a primary cause of disease. Although we suspect that this variant may be benign, at this time, the clinical significance of this variant is uncertain due to the absence of conclusive functional and genetic evidence.

Labcorp Genetics (formerly Invitae), Labcorp
Classification: Likely benign. Last evaluated: 2025-11-17. Review status: criteria provided, single submitter. Criteria: Invitae Variant Classification Sherloc (09022015). Collection method: clinical testing. Allele origin: germline.

Blueprint Genetics
Classification: Likely benign. Last evaluated: 2024-10-01. Review status: criteria provided, single submitter. Criteria: ACMG Guidelines, 2015. Collection method: clinical testing. Allele origin: germline.

Institute of Human Genetics, Univ. Regensburg, Univ. Regensburg
Classification: Uncertain significance for Retinal dystrophy. Last evaluated: 2022-01-01. Review status: criteria provided, single submitter. Criteria: ACMG Guidelines, 2015. Collection method: clinical testing. Allele origin: germline. Affected: yes.

Illumina Laboratory Services, Illumina
Classification: Uncertain significance for Congenital stationary night blindness 1C. Last evaluated: 2018-01-13. Review status: criteria provided, single submitter. Criteria: ICSL Variant Classification Criteria 13 December 2019. Collection method: clinical testing. Allele origin: germline.

Eurofins Ntd Llc (ga)
Classification: Uncertain significance. Last evaluated: 2015-05-05. Review status: criteria provided, single submitter. Criteria: EGL Classification Definitions 2015. Collection method: clinical testing. Allele origin: germline. Observed: 1 variant allele, 1 heterozygote.

Literature cited by the submitters: PubMed 35457050 (cited by Institute of Human Genetics, Univ. Regensburg, Univ. Regensburg).

NM_001252024.2(TRPM1):c.4499C>T (p.Thr1500Met)

Gene: TRPM1 (transient receptor potential cation channel subfamily M member 1; minus strand). Cytogenetic location: 15q13.3.
Variant type: single nucleotide variant.
Coding change: c.4499C>T on transcript NM_001252024.2 (MANE Select); coding-DNA position 4499, C replaced by T.
Protein change: p.Thr1500Met; replaces threonine 1500 with methionine.
Molecular consequence: missense variant.
Genome position (GRCh38, 1-based): chr15:31,002,201, G>A on the plus strand (C>T on the coding strand, the complement: TRPM1 is on the minus strand). VCF-style: chr15-31002201-G-A. GRCh37 (hg19) VCF-style: chr15-31294404-G-A.
Other names: c.4550C>T, p.Thr1517Met (NM_001252020.2); c.4433C>T, p.Thr1478Met (NM_002420.6); c.4550C>T (NM_001252020.1); short protein forms T1478M, T1517M, T1500M.
Identifiers: ClinVar variation 196018 (VCV000196018.19), dbSNP rs201617759, ClinGen allele CA242766.